The following is an entry in ClinVar:

ClinVar aggregate classification (germline): Conflicting classifications of pathogenicity. Review status: criteria provided, conflicting classifications (1 of 4 stars). 2 submissions from 2 submitters: Uncertain significance (1); Likely benign (1). Last evaluated 2023-03-23.

Conditions:
Hereditary breast ovarian cancer syndrome. Also called: Hereditary breast and ovarian cancer syndrome; BRCA1- and BRCA2-Associated Hereditary Breast and Ovarian Cancer; Hereditary breast and ovarian cancer syndrome (HBOC); Hereditary breast and/or ovarian cancer syndrome; Breast and ovarian cancer; Hereditary breast and ovarian cancer. Identifiers: Orphanet 145, MedGen C0677776, MeSH D061325, MONDO:0003582. Disease mechanism: loss of function.
Hereditary cancer-predisposing syndrome. Also called: Hereditary neoplastic syndrome; Neoplastic Syndromes, Hereditary; Tumor predisposition; Hereditary Cancer Syndrome. Identifiers: Orphanet 140162, MedGen C0027672, MeSH D009386, MONDO:0015356.

Submissions (2):

University of Washington Department of Laboratory Medicine, University of Washington
Classification: Likely benign for Hereditary cancer-predisposing syndrome. Last evaluated: 2023-03-23. Review status: criteria provided, single submitter. Criteria: Dines et al. (Genet Med. 2020). Collection method: curation. Allele origin: germline.
Comment: Missense variant in a coldspot region where missense variants are very unlikely to be pathogenic (PMID:31911673).

BRCA2 exon 11 coldspot. Reclassification based on statistical prior probability.

National Health Laboratory Service, Universitas Academic Hospital and University of the Free State
Classification: Uncertain significance for Hereditary breast ovarian cancer syndrome. Last evaluated: 2022-04-19. Review status: criteria provided, single submitter. Criteria: ACMG Guidelines, 2015. Collection method: clinical testing. Allele origin: germline. Affected: yes. Observed: 1 variant allele.

NM_000059.4(BRCA2):c.3950C>G (p.Thr1317Ser)

Gene: BRCA2 (BRCA2 DNA repair associated; plus strand). Cytogenetic location: 13q13.1.
Variant type: single nucleotide variant.
Coding change: c.3950C>G on transcript NM_000059.4 (MANE Select); coding-DNA position 3950, C replaced by G.
Protein change: p.Thr1317Ser; replaces threonine 1317 with serine.
Molecular consequence: missense variant.
Genome position (GRCh38, 1-based): chr13:32,338,305, C>G. VCF-style: chr13-32338305-C-G. GRCh37 (hg19) VCF-style: chr13-32912442-C-G.
Other names: NP_000050.3:p.Thr1317Ser; short protein forms T1317S.
Identifiers: ClinVar variation 1678929 (VCV001678929.3), dbSNP rs1593901002, ClinGen allele CA387778891.